The following is an entry in ClinVar:

ClinVar aggregate classification (germline): Pathogenic/Likely pathogenic. Review status: criteria provided, multiple submitters, no conflicts (2 of 4 stars). 3 submissions from 3 submitters: Pathogenic (1); Likely pathogenic (2). Last evaluated 2023-10-06.

Conditions:
CTC1-related disorder. Also called: CTC1-related condition.
Dyskeratosis congenita. Identifiers: Orphanet 1775, MedGen C0265965, MONDO:0015780.
Inborn genetic diseases. Identifiers: MedGen C0950123, MeSH D030342.

Allele frequency attached by ClinVar (database versions not stated): gnomAD 0.00001; TOPMed 0.00001; ESP Exome Variant Server 0.00008.
gnomAD v4.1: 10 of 1,613,584 alleles (0.00062%); highest among the groups gnomAD compares: Non-Finnish European, 0.00085%; no homozygotes.

Submissions (3):

Labcorp Genetics (formerly Invitae), Labcorp
Classification: Pathogenic for Dyskeratosis congenita. Last evaluated: 2023-10-06. Review status: criteria provided, single submitter. Criteria: Invitae Variant Classification Sherloc (09022015). Collection method: clinical testing. Allele origin: germline.
Comment: This sequence change creates a premature translational stop signal (p.Trp50*) in the CTC1 gene. It is expected to result in an absent or disrupted protein product. Loss-of-function variants in CTC1 are known to be pathogenic (PMID: 22267198, 22387016). This variant is not present in population databases (gnomAD no frequency). This variant has not been reported in the literature in individuals affected with CTC1-related conditions. ClinVar contains an entry for this variant (Variation ID: 1322169). For these reasons, this variant has been classified as Pathogenic.

Blueprint Genetics
Classification: Likely pathogenic for CTC1-related disorders. Last evaluated: 2022-04-04. Review status: criteria provided, single submitter. Criteria: ACMG Guidelines, 2015. Collection method: clinical testing. Allele origin: germline. Affected: yes. Observed: 1 variant allele.

Ambry Genetics
Classification: Likely pathogenic for Inborn genetic diseases. Last evaluated: 2021-10-21. Review status: criteria provided, single submitter. Criteria: Ambry Variant Classification Scheme 2023. Collection method: clinical testing. Allele origin: germline.
Comment: The c.150G>A (p.W50*) alteration, located in exon 2 (coding exon 2) of the CTC1 gene, consists of a G to A substitution at nucleotide position 150. This changes the amino acid from a tryptophan (W) to a stop codon at amino acid position 50. This alteration is expected to result in loss of function by premature protein truncation or nonsense-mediated mRNA decay. Based on data from gnomAD, the A allele has an overall frequency of <0.01% (1/248892) total alleles studied. Based on the available evidence, this alteration is classified as likely pathogenic.

Literature cited by the submitters: PubMed 22267198 (cited by Labcorp Genetics (formerly Invitae), Labcorp); PubMed 22387016 (cited by Labcorp Genetics (formerly Invitae), Labcorp).

NM_025099.6(CTC1):c.150G>A (p.Trp50Ter)

Gene: CTC1 (CST telomere replication complex component 1; minus strand). Cytogenetic location: 17p13.1.
Variant type: single nucleotide variant.
Coding change: c.150G>A on transcript NM_025099.6 (MANE Select); coding-DNA position 150, G replaced by A.
Protein change: p.Trp50Ter; replaces tryptophan 50 with a stop codon.
Molecular consequence: nonsense. On other transcripts: non-coding transcript variant (1).
Genome position (GRCh38, 1-based): chr17:8,243,032, C>T on the plus strand (G>A on the coding strand, the complement: CTC1 is on the minus strand). VCF-style: chr17-8243032-C-T. GRCh37 (hg19) VCF-style: chr17-8146350-C-T.
Other names: short protein forms W50*.
Identifiers: ClinVar variation 1322169 (VCV001322169.9), dbSNP rs202213253, ClinGen allele CA287543368.